The following is an entry in ClinVar:

NM_001206927.2(DNAH8):c.10744dup (p.Ile3582fs)

Genes: DNAH8 (dynein axonemal heavy chain 8; plus strand), DNAH8-AS1 (DNAH8 antisense RNA 1; minus strand). Cytogenetic location: 6p21.2.
Variant type: Duplication.
Coding change: c.10744dup on transcript NM_001206927.2 (MANE Select); coding-DNA position 10744, one base duplicated (A; older notation c.10744dupA).
Protein change: p.Ile3582fs; shifts the reading frame from isoleucine 3582.
Molecular consequence: frameshift variant. On other transcripts: non-coding transcript variant (1).
Genome position (GRCh38, 1-based): chr6:38,923,139, A duplicated; the last of 6 consecutive A bases (chr6:38,923,134-38,923,139); duplicating any one gives the same sequence. VCF-style (leftmost placement, unchanged base first): chr6-38923133-G-GA. GRCh37 (hg19) VCF-style: chr6-38890909-G-GA.
Other names: c.10093dup, p.Ile3365fs (NM_001371.4); short protein forms I3365fs, I3582fs.
Identifiers: ClinVar variation 3719212 (VCV003719212.2).

ClinVar aggregate classification (germline): Pathogenic (1 of 4 stars; one submission).

Conditions:
Primary ciliary dyskinesia. Also called: Ciliary dyskinesia. Identifiers: Orphanet 244, MedGen C0008780, MONDO:0016575, HP:0012265.

Submission:

Labcorp Genetics (formerly Invitae), Labcorp
Classification: Pathogenic for Primary ciliary dyskinesia. Last evaluated: 2024-05-27. Review status: criteria provided, single submitter. Criteria: Invitae Variant Classification Sherloc (09022015). Collection method: clinical testing. Allele origin: germline.
Comment: This sequence change creates a premature translational stop signal (p.Ile3582Asnfs*8) in the DNAH8 gene. It is expected to result in an absent or disrupted protein product. Loss-of-function variants in DNAH8 are known to be pathogenic (PMID: 24307375, 32619401, 32681648). This variant is present in population databases (rs760459837, gnomAD 0.003%). This variant has not been reported in the literature in individuals affected with DNAH8-related conditions. For these reasons, this variant has been classified as Pathogenic.

Literature cited by the submitters: PubMed 24307375; PubMed 32619401; PubMed 32681648.